The following is an entry in ClinVar:

ClinVar aggregate classification (germline): Conflicting classifications of pathogenicity. Review status: criteria provided, conflicting classifications (1 of 4 stars). 2 submissions from 2 submitters: Uncertain significance (1); Likely benign (1). Last evaluated 2024-07-30.

Allele frequency attached by ClinVar (database versions not stated): gnomAD exomes 0.00001; ExAC 0.00002; gnomAD 0.00003; TOPMed 0.00003; 1000 Genomes Project 30x 0.00016; 1000 Genomes Project 0.00020.
gnomAD v4.1: 16 of 1,599,984 alleles (0.001%); highest among the groups gnomAD compares: Admixed American, 0.022%; no homozygotes.

Submissions (2):

Labcorp Genetics (formerly Invitae), Labcorp
Classification: Uncertain significance. Last evaluated: 2024-07-30. Review status: criteria provided, single submitter. Criteria: Invitae Variant Classification Sherloc (09022015). Collection method: clinical testing. Allele origin: germline.
Comment: This sequence change replaces valine, which is neutral and non-polar, with leucine, which is neutral and non-polar, at codon 18 of the SLC25A21 protein (p.Val18Leu). The frequency data for this variant in the population databases is considered unreliable, as metrics indicate poor data quality at this position in the gnomAD database. This variant has not been reported in the literature in individuals affected with SLC25A21-related conditions. ClinVar contains an entry for this variant (Variation ID: 2144785). Advanced modeling of protein sequence and biophysical properties (such as structural, functional, and spatial information, amino acid conservation, physicochemical variation, residue mobility, and thermodynamic stability) performed at Invitae indicates that this missense variant is not expected to disrupt SLC25A21 protein function with a negative predictive value of 80%. In summary, the available evidence is currently insufficient to determine the role of this variant in disease. Therefore, it has been classified as a Variant of Uncertain Significance.

Ambry Genetics
Classification: Likely benign. Last evaluated: 2022-05-18. Review status: criteria provided, single submitter. Criteria: Ambry Variant Classification Scheme 2023. Collection method: clinical testing. Allele origin: germline.

NM_030631.4(SLC25A21):c.52G>T (p.Val18Leu)

Genes: SLC25A21-AS1 (SLC25A21 antisense RNA 1; plus strand), SLC25A21 (solute carrier family 25 member 21; minus strand). Cytogenetic location: 14q13.3.
Variant type: single nucleotide variant.
Coding change: c.52G>T on transcript NM_030631.4 (MANE Select); coding-DNA position 52, G replaced by T.
Protein change: p.Val18Leu; replaces valine 18 with leucine.
Molecular consequence: missense variant. On other transcripts: non-coding transcript variant (1).
Genome position (GRCh38, 1-based): chr14:37,172,299, C>A on the plus strand (G>T on the coding strand, the complement: SLC25A21 is on the minus strand). VCF-style: chr14-37172299-C-A. GRCh37 (hg19) VCF-style: chr14-37641504-C-A.
Other names: c.52G>T, p.Val18Leu (NM_001171170.2); c.52G>T (NM_030631.3); short protein forms V18L.
Identifiers: ClinVar variation 2144785 (VCV002144785.5), dbSNP rs532455995, ClinGen allele CA7159474.